The following is an entry in ClinVar:

ClinVar aggregate classification (germline): Uncertain significance (1 of 4 stars; one submission).

gnomAD v4.1: 1 of 1,613,740 alleles (0.000062%); highest among the groups gnomAD compares: South Asian, 0.0011%; no homozygotes.

Submission:

GeneDx
Classification: Uncertain significance. Last evaluated: 2024-03-29. Review status: criteria provided, single submitter. Criteria: GeneDx Variant Classification Process June 2021. Collection method: clinical testing. Allele origin: germline. Affected: yes.
Comment: Not observed at significant frequency in large population cohorts (gnomAD); In silico analysis supports that this missense variant has a deleterious effect on protein structure/function; Has not been previously published as pathogenic or benign to our knowledge

NM_000334.4(SCN4A):c.509T>C (p.Phe170Ser)

Gene: SCN4A (sodium voltage-gated channel alpha subunit 4; minus strand). Cytogenetic location: 17q23.3.
Variant type: single nucleotide variant.
Coding change: c.509T>C on transcript NM_000334.4 (MANE Select); coding-DNA position 509, T replaced by C.
Protein change: p.Phe170Ser; replaces phenylalanine 170 with serine.
Molecular consequence: missense variant.
Genome position (GRCh38, 1-based): chr17:63,971,824, A>G on the plus strand (T>C on the coding strand, the complement: SCN4A is on the minus strand). VCF-style: chr17-63971824-A-G. GRCh37 (hg19) VCF-style: chr17-62049184-A-G.
Other names: short protein forms F170S.
Identifiers: ClinVar variation 3371909 (VCV003371909.1).